The following is an entry in ClinVar:

ClinVar aggregate classification (germline): Pathogenic (1 of 4 stars; one submission).

Submission:

Quest Diagnostics Nichols Institute San Juan Capistrano
Classification: Pathogenic. Last evaluated: 2023-06-09. Review status: criteria provided, single submitter. Criteria: ACMG/ClinGen CNV Guidelines, 2019. Collection method: clinical testing. Allele origin: unknown.
Comment: This copy number gain is consistent with the known chromosome 3q29 microduplication syndrome region (OMIM 611936, Ballif 2008, Coyan 2020, Fernandez-Jaen 2014, Goobie 2008, Lisi 2008, Pollak 2020, Streata 2020, Tassano 2018, Vitale 2018). While studies focusing on individuals with neurodevelopmental disorders did not find significant enrichment of 3q29 duplications in cases vs. controls (Coe 2014, Cooper 2011), incomplete penetrance has been suggested and there have been multiple instances of individuals inheriting the duplication from affected parents or from parents with subclinical presentation (Coyan 2020, Vitale 2018). There are no similar copy number gains spanning the entirety of the current interval in the general populations of the Database of Genomic Variants. Thus, based on gene content and current medical literature, this copy number variant (CNV) is classified as pathogenic. References: Ballif et al., Mol Cytogenet. 2008 Apr 28;1:8. PMID: 18471269 Coe et al., Nat Genet. 2014 Oct;46(10):1063-71. PMID: 25217958 Cooper et al., Nat Genet. 2011 Aug 14;43(9):838-46. PMID: 21841781 Coyan et al., Eur J Med Genet. 2020 Dec;63(12):104083. PMID: 33039685 Fernandez-Jaen et al., Am J Med Genet A. 2014 Aug;164A(8):2043-7. PMID: 24838842 Goobie et al., Cytogenet Genome Res. 2008;123(1-4):65-78. PMID: 19287140 Lisi et al., Am J Med Genet A. 2008 Mar 1;146A(5):601-9. PMID: 18241066 Pollak et al., Am J Med Genet A. 2020 May;182(5):1152-1166. PMID: 32154651 Streata et al., Curr Health Sci J. 2020 Apr-Jun;46(2):193-197. PMID: 32874693 Tassano et al., Eur J Med Genet. 2018 Aug;61(8):428-433. PMID: 29501613 Vitale et al., Clin Chem Lab Med. 2018 Jun 27;56(7):e167-e170. PMID: 29306915

GRCh37/hg19 3q29(chr3:195703615-197356334)x3

Genes: BDH1 (3-hydroxybutyrate dehydrogenase 1), CEP19 (centrosomal protein 19; minus strand), DLG1 (discs large MAGUK scaffold protein 1; minus strand), DYNLT2B (dynein light chain Tctex-type 2B; minus strand), FBXO45 (F-box protein 45; plus strand) and 16 more. Cytogenetic location: 3q29.
Variant type: copy number gain.
Change: copy number 3 (three copies instead of two) of chr3:195,703,615-197,356,334 (1.65 Mb, GRCh37 coordinates, 1-based), cytogenetic band 3q29.
Identifiers: ClinVar variation 562865 (VCV000562865.6).